The following is an entry in ClinVar:

NM_005732.4(RAD50):c.3235A>G (p.Lys1079Glu)

Gene: RAD50 (RAD50 double strand break repair protein; plus strand). Cytogenetic location: 5q31.1.
Variant type: single nucleotide variant.
Coding change: c.3235A>G on transcript NM_005732.4 (MANE Select); coding-DNA position 3235, A replaced by G.
Protein change: p.Lys1079Glu; replaces lysine 1079 with glutamic acid.
Molecular consequence: missense variant.
Genome position (GRCh38, 1-based): chr5:132,618,140, A>G. VCF-style: chr5-132618140-A-G. GRCh37 (hg19) VCF-style: chr5-131953832-A-G.
Other names: short protein forms K1079E.
Identifiers: ClinVar variation 1729231 (VCV001729231.7), dbSNP rs2479388388, ClinGen allele CA360964433.

ClinVar aggregate classification (germline): Uncertain significance. Review status: criteria provided, multiple submitters, no conflicts (2 of 4 stars). 2 submissions from 2 submitters: Uncertain significance (2). Last evaluated 2022-05-19.

Conditions:
Hereditary cancer-predisposing syndrome. Also called: Tumor predisposition; Neoplastic Syndromes, Hereditary; Hereditary Cancer Syndrome; Hereditary neoplastic syndrome. Identifiers: Orphanet 140162, MedGen C0027672, MeSH D009386, MONDO:0015356.

Submissions (2):

Labcorp Genetics (formerly Invitae), Labcorp
Classification: Uncertain significance for Hereditary cancer-predisposing syndrome. Last evaluated: 2022-05-19. Review status: criteria provided, single submitter. Criteria: Invitae Variant Classification Sherloc (09022015). Collection method: clinical testing. Allele origin: germline.
Comment: This sequence change replaces lysine, which is basic and polar, with glutamic acid, which is acidic and polar, at codon 1079 of the RAD50 protein (p.Lys1079Glu). This variant is not present in population databases (gnomAD no frequency). This variant has not been reported in the literature in individuals affected with RAD50-related conditions. Algorithms developed to predict the effect of missense changes on protein structure and function output the following: SIFT: "Tolerated"; PolyPhen-2: "Benign"; Align-GVGD: "Class C0". The glutamic acid amino acid residue is found in multiple mammalian species, which suggests that this missense change does not adversely affect protein function. In summary, the available evidence is currently insufficient to determine the role of this variant in disease. Therefore, it has been classified as a Variant of Uncertain Significance.

Ambry Genetics
Classification: Uncertain significance for Hereditary cancer-predisposing syndrome. Last evaluated: 2022-03-04. Review status: criteria provided, single submitter. Criteria: Ambry Variant Classification Scheme 2023. Collection method: clinical testing. Allele origin: germline.
Comment: The p.K1079E variant (also known as c.3235A>G), located in coding exon 21 of the RAD50 gene, results from an A to G substitution at nucleotide position 3235. The lysine at codon 1079 is replaced by glutamic acid, an amino acid with similar properties. This amino acid position is conserved. In addition, this alteration is predicted to be tolerated by in silico analysis. Since supporting evidence is limited at this time, the clinical significance of this alteration remains unclear.